The following is an entry in ClinVar:

NM_001939.3(DRP2):c.1010A>T (p.Asp337Val)

Gene: DRP2 (dystrophin related protein 2; plus strand). Cytogenetic location: Xq22.1.
Variant type: single nucleotide variant.
Coding change: c.1010A>T on transcript NM_001939.3 (MANE Select); coding-DNA position 1010, A replaced by T.
Protein change: p.Asp337Val; replaces aspartic acid 337 with valine.
Molecular consequence: missense variant.
Genome position (GRCh38, 1-based): chrX:101,242,938, A>T. VCF-style: chrX-101242938-A-T. GRCh37 (hg19) VCF-style: chrX-100497927-A-T.
Other names: c.776A>T, p.Asp259Val (NM_001171184.2); short protein forms D259V, D337V.
Identifiers: ClinVar variation 3675912 (VCV003675912.2).

ClinVar aggregate classification (germline): Uncertain significance (1 of 4 stars; one submission).

Submission:

Labcorp Genetics (formerly Invitae), Labcorp
Classification: Uncertain significance. Last evaluated: 2024-10-12. Review status: criteria provided, single submitter. Criteria: Invitae Variant Classification Sherloc (09022015). Collection method: clinical testing. Allele origin: germline.
Comment: This sequence change replaces aspartic acid, which is acidic and polar, with valine, which is neutral and non-polar, at codon 337 of the DRP2 protein (p.Asp337Val). This variant is not present in population databases (gnomAD no frequency). This variant has not been reported in the literature in individuals affected with DRP2-related conditions. Invitae Evidence Modeling of protein sequence and biophysical properties (such as structural, functional, and spatial information, amino acid conservation, physicochemical variation, residue mobility, and thermodynamic stability) indicates that this missense variant is not expected to disrupt DRP2 protein function with a negative predictive value of 80%. Algorithms developed to predict the effect of sequence changes on RNA splicing suggest that this variant may disrupt the consensus splice site. In summary, the available evidence is currently insufficient to determine the role of this variant in disease. Therefore, it has been classified as a Variant of Uncertain Significance.